The following is an entry in ClinVar:

NM_138773.4(SLC25A46):c.265G>C (p.Val89Leu)

Gene: SLC25A46 (solute carrier family 25 member 46; plus strand). Cytogenetic location: 5q22.1.
Variant type: single nucleotide variant.
Coding change: c.265G>C on transcript NM_138773.4 (MANE Select); coding-DNA position 265, G replaced by C.
Protein change: p.Val89Leu; replaces valine 89 with leucine.
Molecular consequence: missense variant. On other transcripts: non-coding transcript variant (1), intron variant (1).
Genome position (GRCh38, 1-based): chr5:110,739,384, G>C. VCF-style: chr5-110739384-G-C. GRCh37 (hg19) VCF-style: chr5-110075085-G-C.
Other names: c.265G>C, p.Val89Leu (NM_001303249.3); c.10+1137G>C (NM_001303250.3); c.265G>C (NM_138773.1); short protein forms V89L.
Identifiers: ClinVar variation 1443021 (VCV001443021.9), dbSNP rs777269362, ClinGen allele CA3364507.

ClinVar aggregate classification (germline): Uncertain significance. Review status: criteria provided, multiple submitters, no conflicts (2 of 4 stars). 2 submissions from 2 submitters: Uncertain significance (2). Last evaluated 2025-06-14.

Conditions:
Inborn genetic diseases. Identifiers: MedGen C0950123, MeSH D030342.
Neuropathy, hereditary motor and sensory, type 6B (HMSN6B). Also called: HMSN VIB; CHARCOT-MARIE-TOOTH DISEASE, TYPE 6B; Neuropathy, hereditary motor and sensory, type VIB; NEUROPATHY, HEREDITARY MOTOR AND SENSORY, TYPE VIB, WITH OPTIC ATROPHY. Identifiers: MedGen C4225302, MONDO:0014671, OMIM 616505.

Allele frequency attached by ClinVar (database versions not stated): TOPMed below 0.00001; gnomAD exomes 0.00003 and 0.00007; ExAC 0.00011.
gnomAD v4.1: 37 of 1,547,198 alleles (0.0024%); highest among the groups gnomAD compares: South Asian, 0.022%; no homozygotes.

Submissions (2):

Labcorp Genetics (formerly Invitae), Labcorp
Classification: Uncertain significance for Neuropathy, hereditary motor and sensory, type 6B. Last evaluated: 2025-06-14. Review status: criteria provided, single submitter. Criteria: Invitae Variant Classification Sherloc (09022015). Collection method: clinical testing. Allele origin: germline.
Comment: This sequence change replaces valine, which is neutral and non-polar, with leucine, which is neutral and non-polar, at codon 89 of the SLC25A46 protein (p.Val89Leu). This variant is present in population databases (rs777269362, gnomAD 0.04%). This variant has not been reported in the literature in individuals affected with SLC25A46-related conditions. ClinVar contains an entry for this variant (Variation ID: 1443021). An algorithm developed to predict the effect of missense changes on protein structure and function (PolyPhen-2) suggests that this variant is likely to be tolerated. In summary, the available evidence is currently insufficient to determine the role of this variant in disease. Therefore, it has been classified as a Variant of Uncertain Significance.

Ambry Genetics
Classification: Uncertain significance for Inborn genetic diseases. Last evaluated: 2021-02-11. Review status: criteria provided, single submitter. Criteria: Ambry Variant Classification Scheme 2023. Collection method: clinical testing. Allele origin: germline.
Comment: The c.265G>C (p.V89L) alteration is located in exon 1 (coding exon 1) of the SLC25A46 gene. This alteration results from a G to C substitution at nucleotide position 265, causing the valine (V) at amino acid position 89 to be replaced by a leucine (L). The p.V89L alteration is predicted to be tolerated by in silico analysis. Based on insufficient or conflicting evidence, the clinical significance of this alteration remains unclear.